The following is an entry in ClinVar:

ClinVar aggregate classification (germline): Uncertain significance (1 of 4 stars; one submission).

Allele frequency attached by ClinVar (database versions not stated): gnomAD exomes below 0.00001; ExAC 0.00003; ESP Exome Variant Server 0.00008.

Submission:

Labcorp Genetics (formerly Invitae), Labcorp
Classification: Uncertain significance. Last evaluated: 2022-02-04. Review status: criteria provided, single submitter. Criteria: Invitae Variant Classification Sherloc (09022015). Collection method: clinical testing. Allele origin: germline.
Comment: This sequence change replaces threonine, which is neutral and polar, with isoleucine, which is neutral and non-polar, at codon 42 of the KIAA0753 protein (p.Thr42Ile). This variant is present in population databases (rs373664687, gnomAD 0.02%). This variant has not been reported in the literature in individuals affected with KIAA0753-related conditions. Algorithms developed to predict the effect of missense changes on protein structure and function are either unavailable or do not agree on the potential impact of this missense change (SIFT: "Deleterious"; PolyPhen-2: "Possibly Damaging"; Align-GVGD: "Class C15"). In summary, the available evidence is currently insufficient to determine the role of this variant in disease. Therefore, it has been classified as a Variant of Uncertain Significance.

NM_014804.3(KIAA0753):c.125C>T (p.Thr42Ile)

Gene: KIAA0753 (KIAA0753; minus strand). Cytogenetic location: 17p13.1.
Variant type: single nucleotide variant.
Coding change: c.125C>T on transcript NM_014804.3 (MANE Select); coding-DNA position 125, C replaced by T.
Protein change: p.Thr42Ile; replaces threonine 42 with isoleucine.
Molecular consequence: missense variant. On other transcripts: 5 prime UTR variant (1), non-coding transcript variant (3).
Genome position (GRCh38, 1-based): chr17:6,628,710, G>A on the plus strand (C>T on the coding strand, the complement: KIAA0753 is on the minus strand). VCF-style: chr17-6628710-G-A. GRCh37 (hg19) VCF-style: chr17-6532030-G-A.
Other names: c.-1110C>T (NM_001351225.2); short protein forms T42I.
Identifiers: ClinVar variation 2039420 (VCV002039420.4), dbSNP rs373664687, ClinGen allele CA8330833.